The following is an entry in ClinVar:

ClinVar aggregate classification (germline): Conflicting classifications of pathogenicity. Review status: criteria provided, conflicting classifications (1 of 4 stars). 2 submissions from 2 submitters: Pathogenic (1); Uncertain significance (1). Last evaluated 2025-01-29.

Conditions:
Epidermolysis bullosa dystrophica. Also called: Dystrophic epidermolysis bullosa, Hallopeau-Siemens type (formerly); Dystrophic epidermolysis bullosa. Identifiers: Orphanet 303, MedGen C0079294, MONDO:0006543.

Submissions (2):

Labcorp Genetics (formerly Invitae), Labcorp
Classification: Uncertain significance. Last evaluated: 2025-01-29. Review status: criteria provided, single submitter. Criteria: Invitae Variant Classification Sherloc (09022015). Collection method: clinical testing. Allele origin: germline.
Comment: This sequence change replaces glycine, which is neutral and non-polar, with arginine, which is basic and polar, at codon 2629 of the COL7A1 protein (p.Gly2629Arg). This variant is not present in population databases (gnomAD no frequency). This variant has not been reported in the literature in individuals affected with COL7A1-related conditions. ClinVar contains an entry for this variant (Variation ID: 1048058). Invitae Evidence Modeling of protein sequence and biophysical properties (such as structural, functional, and spatial information, amino acid conservation, physicochemical variation, residue mobility, and thermodynamic stability) indicates that this missense variant is expected to disrupt COL7A1 protein function with a positive predictive value of 95%. This variant disrupts the triple helix domain of COL7A1. Glycine residues within the Gly-Xaa-Yaa repeats of the triple helix domain are required for the structure and stability of fibrillar collagens (PMID: 7695699, 8218237, 19344236), and variants at these glycine residues in COL7A1 are more frequently observed in individuals with disease than in the general population (PMID: 22058051). However, the clinical significance of this observation remains uncertain since only a limited number of affected individuals have been described to date. In summary, the available evidence is currently insufficient to determine the role of this variant in disease. Therefore, it has been classified as a Variant of Uncertain Significance.

Biomedical Innovation Departament, CIEMAT
Classification: Pathogenic for Dystrophic epidermolysis bullosa. Last evaluated: 2017-09-08. Review status: criteria provided, single submitter. Criteria: ACMG Guidelines, 2015. Collection method: research. Allele origin: germline. Affected: yes. Observed: 1 variant allele.

Literature cited by the submitters: PubMed 7695699 (cited by Labcorp Genetics (formerly Invitae), Labcorp); PubMed 8218237 (cited by Labcorp Genetics (formerly Invitae), Labcorp); PubMed 19344236 (cited by Labcorp Genetics (formerly Invitae), Labcorp); PubMed 22058051 (cited by Labcorp Genetics (formerly Invitae), Labcorp); PubMed 20184583 (cited by Biomedical Innovation Departament, CIEMAT).

NM_000094.4(COL7A1):c.7885G>C (p.Gly2629Arg)

Gene: COL7A1 (collagen type VII alpha 1 chain; minus strand). Cytogenetic location: 3p21.31.
Variant type: single nucleotide variant.
Coding change: c.7885G>C on transcript NM_000094.4 (MANE Select); coding-DNA position 7885, G replaced by C.
Protein change: p.Gly2629Arg; replaces glycine 2629 with arginine.
Molecular consequence: missense variant.
Genome position (GRCh38, 1-based): chr3:48,567,882, C>G on the plus strand (G>C on the coding strand, the complement: COL7A1 is on the minus strand). VCF-style: chr3-48567882-C-G. GRCh37 (hg19) VCF-style: chr3-48605315-C-G.
Other names: short protein forms G2629R.
Identifiers: ClinVar variation 1048058 (VCV001048058.2), dbSNP rs2043678898, ClinGen allele CA352641645.
Genomic context (GRCh38, chr3:48,567,882, plus strand): 5'-CCCATCCCCTCTGTACCTTGTCTCCCTTCTCTCCATCAAGGCCACAGGCTCCCTTCACTC[C>G]CCGTTCACCCTGAGGGAGAAAAGCAGATGAAGAAGTGATTCCCAGACACCTCACTCTGTG-3'
Protein context (NP_000085.1, residues 2619-2639): MGPRGLKGER[Gly2629Arg]VKGACGLDGE